The following is an entry in ClinVar:

ClinVar aggregate classification (germline): Uncertain significance (1 of 4 stars; one submission).

Conditions:
Dilated cardiomyopathy 1DD (CMD1DD). Identifiers: Orphanet 154, MedGen C2750995, MONDO:0013168, OMIM 613172.

Allele frequency attached by ClinVar (database versions not stated): TOPMed below 0.00001; gnomAD 0.00001.
gnomAD v4.1: 1 of 1,550,596 alleles (0.000064%); highest among the groups gnomAD compares: African/African-American, 0.0014%; no homozygotes.

Submission:

Labcorp Genetics (formerly Invitae), Labcorp
Classification: Uncertain significance for Dilated cardiomyopathy 1DD. Last evaluated: 2021-03-17. Review status: criteria provided, single submitter. Criteria: Invitae Variant Classification Sherloc (09022015). Collection method: clinical testing. Allele origin: germline.
Comment: In summary, the available evidence is currently insufficient to determine the role of this variant in disease. Therefore, it has been classified as a Variant of Uncertain Significance. Advanced modeling of protein sequence and biophysical properties (such as structural, functional, and spatial information, amino acid conservation, physicochemical variation, residue mobility, and thermodynamic stability) performed at Invitae indicates that this missense variant is not expected to disrupt RBM20 protein function. This variant has not been reported in the literature in individuals with RBM20-related conditions. This variant is not present in population databases (ExAC no frequency). This sequence change replaces alanine with valine at codon 987 of the RBM20 protein (p.Ala987Val). The alanine residue is moderately conserved and there is a small physicochemical difference between alanine and valine.

NM_001134363.3(RBM20):c.2960C>T (p.Ala987Val)

Gene: RBM20 (RNA binding motif protein 20; plus strand). Cytogenetic location: 10q25.2.
Variant type: single nucleotide variant.
Coding change: c.2960C>T on transcript NM_001134363.3 (MANE Select); coding-DNA position 2960, C replaced by T.
Protein change: p.Ala987Val; replaces alanine 987 with valine.
Molecular consequence: missense variant.
Genome position (GRCh38, 1-based): chr10:110,821,579, C>T. VCF-style: chr10-110821579-C-T. GRCh37 (hg19) VCF-style: chr10-112581337-C-T.
Other names: short protein forms A987V.
Identifiers: ClinVar variation 1385475 (VCV001385475.8), dbSNP rs1844910564, ClinGen allele CA378378621.
Genomic context (GRCh38, chr10:110,821,579, plus strand): 5'-AGGCCGTAGGGAATGGGGCTGCAGAAATCAGCCTCAAGTCACCCAGAGAACTGCCCTCTG[C>T]TTCCACAAGCTGTCCCAGTGACATGGACGTGGAAATGCCTGGCCTAAATCTGGATGCTGA-3'
Protein context (NP_001127835.2, residues 977-997): SLKSPRELPS[Ala987Val]STSCPSDMDV